The following is an entry in ClinVar:

ClinVar aggregate classification (germline): Conflicting classifications of pathogenicity. Review status: criteria provided, conflicting classifications (1 of 4 stars). 2 submissions from 2 submitters: Likely pathogenic (1); Uncertain significance (1). Last evaluated 2026-07-30.

Conditions:
Phenylketonuria (PKU). Also called: Phenylketonuria (PKU); FOLLING DISEASE; OLIGOPHRENIA PHENYLPYRUVICA; Phenylketonurias. Identifiers: Orphanet 716, MedGen C0031485, MONDO:0009861, OMIM 261600. Disease mechanism: loss of function.
Inborn genetic diseases. Identifiers: MedGen C0950123, MeSH D030342.

gnomAD v4.1: 9 of 1,608,754 alleles (0.00056%); highest among the groups gnomAD compares: Middle Eastern, 0.016%; no homozygotes.

Submissions (2):

Ambry Genetics
Classification: Uncertain significance for Inborn genetic diseases. Last evaluated: 2026-07-30. Review status: criteria provided, single submitter. Criteria: Ambry Variant Classification Scheme 2023. Collection method: clinical testing. Allele origin: germline.
Comment: The c.157C>A (p.R53S) alteration is located in exon 2 (coding exon 2) of the PAH gene. This alteration results from a C to A substitution at nucleotide position 157, causing the arginine (R) at amino acid position 53 to be replaced by a serine (S). Based on data from gnomAD, the A allele has an overall frequency of <0.001% (1/251390) total alleles studied. The highest observed frequency was 0.006% (1/16256) of African alleles. This variant has been identified in the homozygous state in individual(s) with features consistent with phenylalanine hydroxylase (PAH) deficiency (External Communication). This amino acid position is well conserved in available vertebrate species. The p.R53S variant is predicted to be deleterious by in silico analysis. Based on insufficient or conflicting evidence, the clinical significance of this alteration remains unclear.

Labcorp Genetics (formerly Invitae), Labcorp
Classification: Likely pathogenic for Phenylketonuria. Last evaluated: 2023-04-30. Review status: criteria provided, single submitter. Criteria: Invitae Variant Classification Sherloc (09022015). Collection method: clinical testing. Allele origin: germline.
Comment: This sequence change replaces arginine, which is basic and polar, with serine, which is neutral and polar, at codon 53 of the PAH protein (p.Arg53Ser). The frequency data for this variant in the population databases is considered unreliable, as metrics indicate poor data quality at this position in the gnomAD database. This missense change has been observed in individual(s) with hyperphenylalaninemia (Invitae). It has also been observed to segregate with disease in related individuals. ClinVar contains an entry for this variant (Variation ID: 1478759). Advanced modeling of protein sequence and biophysical properties (such as structural, functional, and spatial information, amino acid conservation, physicochemical variation, residue mobility, and thermodynamic stability) performed at Invitae indicates that this missense variant is not expected to disrupt PAH protein function. In summary, the currently available evidence indicates that the variant is pathogenic, but additional data are needed to prove that conclusively. Therefore, this variant has been classified as Likely Pathogenic.

NM_000277.3(PAH):c.157C>A (p.Arg53Ser)

Gene: PAH (phenylalanine hydroxylase; minus strand). Cytogenetic location: 12q23.2.
Variant type: single nucleotide variant.
Coding change: c.157C>A on transcript NM_000277.3 (MANE Select); coding-DNA position 157, C replaced by A.
Protein change: p.Arg53Ser; replaces arginine 53 with serine.
Molecular consequence: missense variant.
Genome position (GRCh38, 1-based): chr12:102,912,802, G>T on the plus strand (C>A on the coding strand, the complement: PAH is on the minus strand). VCF-style: chr12-102912802-G-T. GRCh37 (hg19) VCF-style: chr12-103306580-G-T.
Other names: c.157C>A, p.Arg53Ser (NM_001354304.2); c.157C>A (NM_000277.1); short protein forms R53S.
Identifiers: ClinVar variation 1478759 (VCV001478759.10), dbSNP rs199475619, ClinGen allele CA6749039.
Genomic context (GRCh38, chr12:102,912,802, plus strand): 5'-GGAAGTTTGCTACGACATTATCCAAGACAAACATGATTGTAGCACTGACCTCAAATAAGC[G>T]CAATACTTTGGCCAATGCACCAACTTCTTCTTTGAGTGAGAAGATCAGTGATATGGCACC-3'
Protein context (NP_000268.1, residues 43-63): EEVGALAKVL[Arg53Ser]LFEENDVNLT